The following is an entry in ClinVar:

NM_007294.4(BRCA1):c.5467+5G>C

Gene: BRCA1 (BRCA1 DNA repair associated; minus strand). Cytogenetic location: 17q21.31.
Variant type: single nucleotide variant.
Coding change: c.5467+5G>C on transcript NM_007294.4 (MANE Select); 5 bases into the intron after coding-DNA position 5467, G replaced by C.
Molecular consequence: intron variant.
Genome position (GRCh38, 1-based): chr17:43,047,638, C>G on the plus strand (G>C on the coding strand, the complement: BRCA1 is on the minus strand). VCF-style: chr17-43047638-C-G. GRCh37 (hg19) VCF-style: chr17-41199655-C-G.
Other names: c.2014+5G>C (NM_001408458.1, NM_001408461.1, NM_001408464.1 and 7 more transcripts); c.4576+5G>C (NM_001407967.1); c.5086+5G>C (NM_001407959.1); c.5200+5G>C (NM_001407931.1, NM_001407932.1, NM_001407928.1 and 4 more transcripts); c.5323+5G>C (NM_001407747.1, NM_001407745.1, NM_001407737.1 and 18 more transcripts); c.5083+5G>C (NM_001407962.1, NM_001407960.1); c.1654+5G>C (NM_001408512.1); c.1777+5G>C (NM_001408510.1); and 83 more.
Identifiers: ClinVar variation 55586 (VCV000055586.6), dbSNP rs397509287, ClinGen allele CA003614.

ClinVar aggregate classification (germline): Likely pathogenic. Review status: criteria provided, multiple submitters, no conflicts (2 of 4 stars). 3 submissions from 3 submitters: Likely pathogenic (2). 1 of the submissions does not count toward it. Last evaluated 2025-02-25.

Conditions:
Familial cancer of breast. Also called: hereditary breast carcinoma; BREAST CANCER, FAMILIAL; Hereditary breast cancer. Identifiers: Orphanet 227535, MedGen C0346153, MONDO:0016419, OMIM 114480. Disease mechanism: loss of function.
Hereditary cancer-predisposing syndrome. Also called: Hereditary Cancer Syndrome; Hereditary neoplastic syndrome; Neoplastic Syndromes, Hereditary; Tumor predisposition. Identifiers: Orphanet 140162, MedGen C0027672, MeSH D009386, MONDO:0015356.

Submissions (4):

Quest Diagnostics Nichols Institute San Juan Capistrano
Classification: Likely pathogenic. Last evaluated: 2025-02-25. Review status: criteria provided, single submitter. Criteria: Quest Diagnostics criteria. Collection method: clinical testing. Allele origin: unknown.
Comment: The BRCA1 c.5467+5G>C variant has been reported in the published literature in individuals with breast cancer (PMID: 26727311 (2015)), and was reported as supporting in favor of pathogenicity in a multifactorial likelihood study (PMID: 31131967 (2019)). Functional studies demonstrated that this variant had a damaging effect on protein function (PMID: 30209399 (2018), 24212087 (2014), 30623411 (2019)). This variant has not been reported in large, multi-ethnic general populations (Genome Aggregation Database). Analysis of this variant using software algorithms for the prediction of the effect of nucleotide changes on splicing yielded predictions that this variant may affect proper BRCA1 mRNA splicing. Based on the available information, this variant is classified as likely pathogenic.

Ambry Genetics
Classification: Likely pathogenic for Hereditary cancer-predisposing syndrome. Last evaluated: 2024-02-01. Review status: criteria provided, single submitter. Criteria: Ambry Variant Classification Scheme 2023. Collection method: clinical testing. Allele origin: germline.
Comment: The c.5467+5G>C intronic variant results from a G to C substitution 5 nucleotides after coding exon 21 in the BRCA1 gene. This nucleotide position is well conserved in available vertebrate species. In silico splice site analysis predicts that this alteration may weaken the native splice donor site. RNA studies have demonstrated that this alteration results in abnormal splicing (Whiley PJ et al. Hum Mutat, 2011 Jun;32:678-87; Whiley PJ et al. Clin Chem. 2014 Feb;60(2):341-52). One functional study found that this nucleotide substitution is non-functional in a high throughput genome editing haploid cell survival assay (Findlay GM et al. Nature, 2018 Oct;562:217-222). This variant is considered to be rare based on population cohorts in the Genome Aggregation Database (gnomAD). Based on the majority of available evidence to date, this variant is likely to be pathogenic.

Brotman Baty Institute, University of Washington
No classification provided (evidence only). Condition: Breast-ovarian cancer, familial 1. Review status: no classification provided. Collection method: in vitro. Allele origin: not applicable. Functional consequence: functionally_abnormal. Not counted in ClinVar's aggregate classification.
ClinVar note: "not provided" was previously submitted as the classification for the variant. However, the classification appeared to be based only on an observation of functional data so it was converted to no classification on 2025-07-30.

ClinVar Staff, National Center for Biotechnology Information (NCBI)
No classification provided. Condition: Familial cancer of breast. Review status: no classification provided. Collection method: literature only. Allele origin: germline. Affected: yes. Not counted in ClinVar's aggregate classification.

Literature cited by the submitters: PubMed 30209399 (cited by Quest Diagnostics Nichols Institute San Juan Capistrano and Ambry Genetics); PubMed 30623411 (cited by Quest Diagnostics Nichols Institute San Juan Capistrano); PubMed 24212087 (cited by Quest Diagnostics Nichols Institute San Juan Capistrano and Ambry Genetics); PubMed 26727311 (cited by Quest Diagnostics Nichols Institute San Juan Capistrano); PubMed 31131967 (cited by Quest Diagnostics Nichols Institute San Juan Capistrano); PubMed 21394826 (cited by Ambry Genetics and ClinVar Staff, National Center for Biotechnology Information (NCBI)).